The following is an entry in ClinVar:

ClinVar aggregate classification (germline): Uncertain significance (1 of 4 stars; one submission).

Allele frequency attached by ClinVar (database versions not stated): gnomAD exomes below 0.00001.

Submission:

Labcorp Genetics (formerly Invitae), Labcorp
Classification: Uncertain significance. Last evaluated: 2022-07-15. Review status: criteria provided, single submitter. Criteria: Invitae Variant Classification Sherloc (09022015). Collection method: clinical testing. Allele origin: germline.
Comment: Algorithms developed to predict the effect of missense changes on protein structure and function are either unavailable or do not agree on the potential impact of this missense change (SIFT: "Tolerated"; PolyPhen-2: "Not Available"; Align-GVGD: "Class C0"). This variant has not been reported in the literature in individuals affected with HMX1-related conditions. The frequency data for this variant in the population databases is considered unreliable, as metrics indicate poor data quality at this position in the gnomAD database. This sequence change replaces leucine, which is neutral and non-polar, with methionine, which is neutral and non-polar, at codon 25 of the HMX1 protein (p.Leu25Met). In summary, the available evidence is currently insufficient to determine the role of this variant in disease. Therefore, it has been classified as a Variant of Uncertain Significance.

NM_018942.3(HMX1):c.73C>A (p.Leu25Met)

Gene: HMX1 (H6 family homeobox 1; minus strand). Cytogenetic location: 4p16.1.
Variant type: single nucleotide variant.
Coding change: c.73C>A on transcript NM_018942.3 (MANE Select); coding-DNA position 73, C replaced by A.
Protein change: p.Leu25Met; replaces leucine 25 with methionine.
Molecular consequence: missense variant.
Genome position (GRCh38, 1-based): chr4:8,871,542, G>T on the plus strand (C>A on the coding strand, the complement: HMX1 is on the minus strand). VCF-style: chr4-8871542-G-T. GRCh37 (hg19) VCF-style: chr4-8873268-G-T.
Other names: c.73C>A, p.Leu25Met (NM_001306142.2); short protein forms L25M.
Identifiers: ClinVar variation 2104927 (VCV002104927.4), dbSNP rs1436836597, ClinGen allele CA356279449.